The following is an entry in ClinVar:

NM_001378964.1(CDON):c.1544_1545del (p.Leu515fs)

Gene: CDON (cell adhesion associated, oncogene regulated; minus strand). Cytogenetic location: 11q24.2.
Variant type: Microsatellite.
Coding change: c.1544_1545del on transcript NM_001378964.1 (MANE Select); coding-DNA positions 1544 to 1545, 2 bases deleted (TC; older notation c.1544_1545delTC).
Protein change: p.Leu515fs; shifts the reading frame from leucine 515.
Molecular consequence: frameshift variant.
Genome position (GRCh38, 1-based): chr11:126,010,348-126,010,349, GA deleted on the plus strand (TC on the coding strand, the reverse complement: CDON is on the minus strand); deleting any 2 consecutive bases within chr11:126,010,348-126,010,353 gives the same sequence; the c. name uses the placement nearest the transcript's 3' end. VCF-style (leftmost placement, unchanged base first): chr11-126010347-TGA-T. GRCh37 (hg19) VCF-style: chr11-125880242-TGA-T.
Other names: c.1540_1541TC[2], p.Leu515Hisfs (NM_001243597.3, NM_016952.6); short protein forms L515fs.
Identifiers: ClinVar variation 2896008 (VCV002896008.3), dbSNP rs1454628495, ClinGen allele CA673042888.
Genomic context (GRCh38, chr11:126,010,347, plus strand): 5'-TTCTATTATAAAAGGAAATTACTCAACTAAAAATAAATAATAATGGCAACTCACCAACCA[TGA>T]GAGATGCTTCTGCCTGTGTGGTACCATGTTCATTTGCAGCTTCGCAGATGTATTTCCCCG-3'

ClinVar aggregate classification (germline): Uncertain significance (1 of 4 stars; one submission).

Conditions:
Holoprosencephaly 11 (HPE11). Identifiers: Orphanet 2162, MedGen C3280215, MONDO:0013642, OMIM 614226.

Submission:

Labcorp Genetics (formerly Invitae), Labcorp
Classification: Uncertain significance for Holoprosencephaly 11. Last evaluated: 2023-09-30. Review status: criteria provided, single submitter. Criteria: Invitae Variant Classification Sherloc (09022015). Collection method: clinical testing. Allele origin: germline.
Comment: This sequence change creates a premature translational stop signal (p.Leu515Hisfs*6) in the CDON gene. It is expected to result in an absent or disrupted protein product. However, the current clinical and genetic evidence is not sufficient to establish whether loss-of-function variants in CDON cause disease. This variant is not present in population databases (gnomAD no frequency). This variant has not been reported in the literature in individuals affected with CDON-related conditions. In summary, the available evidence is currently insufficient to determine the role of this variant in disease. Therefore, it has been classified as a Variant of Uncertain Significance.